The following is an entry in ClinVar:

ClinVar aggregate classification (germline): Uncertain significance (1 of 4 stars; one submission).

Allele frequency attached by ClinVar (database versions not stated): gnomAD exomes below 0.00001; gnomAD 0.00001; TOPMed 0.00001.

Submission:

Labcorp Genetics (formerly Invitae), Labcorp
Classification: Uncertain significance. Last evaluated: 2023-11-27. Review status: criteria provided, single submitter. Criteria: Invitae Variant Classification Sherloc (09022015). Collection method: clinical testing. Allele origin: germline.
Comment: This sequence change replaces glutamic acid, which is acidic and polar, with aspartic acid, which is acidic and polar, at codon 751 of the TUBGCP6 protein (p.Glu751Asp). This variant is not present in population databases (gnomAD no frequency). This variant has not been reported in the literature in individuals affected with TUBGCP6-related conditions. ClinVar contains an entry for this variant (Variation ID: 1433664). An algorithm developed to predict the effect of missense changes on protein structure and function (PolyPhen-2) suggests that this variant¬†is likely to be tolerated. In summary, the available evidence is currently insufficient to determine the role of this variant in disease. Therefore, it has been classified as a Variant of Uncertain Significance.

NM_020461.4(TUBGCP6):c.2253G>T (p.Glu751Asp)

Gene: TUBGCP6 (tubulin gamma complex component 6; minus strand). Cytogenetic location: 22q13.33.
Variant type: single nucleotide variant.
Coding change: c.2253G>T on transcript NM_020461.4 (MANE Select); coding-DNA position 2253, G replaced by T.
Protein change: p.Glu751Asp; replaces glutamic acid 751 with aspartic acid.
Molecular consequence: missense variant.
Genome position (GRCh38, 1-based): chr22:50,224,158, C>A on the plus strand (G>T on the coding strand, the complement: TUBGCP6 is on the minus strand). VCF-style: chr22-50224158-C-A. GRCh37 (hg19) VCF-style: chr22-50662587-C-A.
Other names: short protein forms E751D.
Identifiers: ClinVar variation 1433664 (VCV001433664.4), dbSNP rs1316677062, ClinGen allele CA412101710.